The following is an entry in ClinVar:

NM_152564.5(VPS13B):c.2431A>G (p.Ile811Val)

Gene: VPS13B (vacuolar protein sorting 13 homolog B; plus strand). Cytogenetic location: 8q22.2.
Variant type: single nucleotide variant.
Coding change: c.2431A>G on transcript NM_152564.5 (MANE Select); coding-DNA position 2431, A replaced by G.
Protein change: p.Ile811Val; replaces isoleucine 811 with valine.
Molecular consequence: missense variant.
Genome position (GRCh38, 1-based): chr8:99,192,973, A>G. VCF-style: chr8-99192973-A-G. GRCh37 (hg19) VCF-style: chr8-100205201-A-G.
Other names: c.2431A>G, p.Ile811Val (NM_015243.3, NM_017890.5); c.2431A>G (NM_017890.3, NM_152564.4); short protein forms I811V.
Identifiers: ClinVar variation 845332 (VCV000845332.8), dbSNP rs370570714, ClinGen allele CA4822904.

ClinVar aggregate classification (germline): Conflicting classifications of pathogenicity. Review status: criteria provided, conflicting classifications (1 of 4 stars). 4 submissions from 4 submitters: Uncertain significance (2); Likely benign (1). 1 of the submissions does not count toward it. Last evaluated 2026-06-29.

Conditions:
Cohen syndrome (COH1). Also called: PEPPER SYNDROME; Cutis verticis gyrata, retinitis pigmentosa, and sensorineural deafness. Identifiers: Orphanet 193, MedGen C0265223, MONDO:0008999, OMIM 216550.
Inborn genetic diseases. Identifiers: MedGen C0950123, MeSH D030342.
VPS13B-related disorder. Also called: VPS13B-related condition.

Allele frequency attached by ClinVar (database versions not stated): TOPMed 0.00008.
gnomAD v4.1: 27 of 1,613,722 alleles (0.0017%); highest among the groups gnomAD compares: African/African-American, 0.012%; no homozygotes.

Submissions (4):

Ambry Genetics
Classification: Likely benign for Inborn genetic diseases. Last evaluated: 2026-06-29. Review status: criteria provided, single submitter. Criteria: Ambry Variant Classification Scheme 2023. Collection method: clinical testing. Allele origin: germline.

PreventionGenetics, part of Exact Sciences
Classification: Uncertain significance for VPS13B-related condition. Last evaluated: 2025-11-04. Review status: criteria provided, single submitter. Criteria: ACMG Guidelines, 2015. Collection method: clinical testing. Allele origin: germline.
Comment: The VPS13B c.2431A>G variant is predicted to result in the amino acid substitution p.Ile811Val. To our knowledge, this variant has not been reported in the literature. This variant is reported in 0.020% of alleles in individuals of African descent in gnomAD. At this time, the clinical significance of this variant is uncertain due to the absence of conclusive functional and genetic evidence.

Labcorp Genetics (formerly Invitae), Labcorp
Classification: Uncertain significance for Cohen syndrome. Last evaluated: 2023-12-19. Review status: criteria provided, single submitter. Criteria: Invitae Variant Classification Sherloc (09022015). Collection method: clinical testing. Allele origin: germline.
Comment: This sequence change replaces isoleucine, which is neutral and non-polar, with valine, which is neutral and non-polar, at codon 811 of the VPS13B protein (p.Ile811Val). This variant is present in population databases (rs370570714, gnomAD 0.02%). This variant has not been reported in the literature in individuals affected with VPS13B-related conditions. ClinVar contains an entry for this variant (Variation ID: 845332). Advanced modeling of protein sequence and biophysical properties (such as structural, functional, and spatial information, amino acid conservation, physicochemical variation, residue mobility, and thermodynamic stability) performed at Invitae indicates that this missense variant is not expected to disrupt VPS13B protein function with a negative predictive value of 80%. In summary, the available evidence is currently insufficient to determine the role of this variant in disease. Therefore, it has been classified as a Variant of Uncertain Significance.

Natera, Inc.
Classification: Uncertain significance for Cohen syndrome. Last evaluated: 2020-09-16. Review status: no assertion criteria provided. Collection method: clinical testing. Allele origin: germline. Not counted in ClinVar's aggregate classification.

Literature cited by the submitters: PubMed 36413997 (cited by Ambry Genetics).